The following is an entry in ClinVar:

ClinVar aggregate classification (germline): Uncertain significance (1 of 4 stars; one submission).

Submission:

Labcorp Genetics (formerly Invitae), Labcorp
Classification: Uncertain significance. Last evaluated: 2021-07-26. Review status: criteria provided, single submitter. Criteria: Invitae Variant Classification Sherloc (09022015). Collection method: clinical testing. Allele origin: germline.
Comment: In summary, the available evidence is currently insufficient to determine the role of this variant in disease. Therefore, it has been classified as a Variant of Uncertain Significance. Algorithms developed to predict the effect of missense changes on protein structure and function are either unavailable or do not agree on the potential impact of this missense change (SIFT: "Deleterious"; PolyPhen-2: "Not Available"; Align-GVGD: "Class C15"). This variant has not been reported in the literature in individuals affected with SUGCT-related conditions. This variant is not present in population databases (ExAC no frequency). This sequence change replaces isoleucine with phenylalanine at codon 186 of the SUGCT protein (p.Ile186Phe). The isoleucine residue is highly conserved and there is a small physicochemical difference between isoleucine and phenylalanine.

NM_001193313.2(SUGCT):c.646A>T (p.Ile216Phe)

Gene: SUGCT (succinyl-CoA:glutarate-CoA transferase; plus strand). Cytogenetic location: 7p14.1.
Variant type: single nucleotide variant.
Coding change: c.646A>T on transcript NM_001193313.2 (MANE Select); coding-DNA position 646, A replaced by T.
Protein change: p.Ile216Phe; replaces isoleucine 216 with phenylalanine.
Molecular consequence: missense variant. On other transcripts: intron variant (1).
Genome position (GRCh38, 1-based): chr7:40,274,582, A>T. VCF-style: chr7-40274582-A-T. GRCh37 (hg19) VCF-style: chr7-40314181-A-T.
Other names: c.646A>T, p.Ile216Phe (NM_001193311.2); c.535A>T, p.Ile179Phe (NM_024728.3); c.576+36856A>T (NM_001193312.2); short protein forms I179F, I216F.
Identifiers: ClinVar variation 1470187 (VCV001470187.8), dbSNP rs1792336570, ClinGen allele CA367312629.